The following is an entry in ClinVar:

NM_014738.6(TMEM94):c.2086+1G>A

Gene: TMEM94 (transmembrane protein 94; plus strand). Cytogenetic location: 17q25.1.
Variant type: single nucleotide variant.
Coding change: c.2086+1G>A on transcript NM_014738.6 (MANE Select); the canonical splice donor site of the intron after coding-DNA position 2086, G replaced by A.
Molecular consequence: splice donor variant. On other transcripts: missense variant (3).
Genome position (GRCh38, 1-based): chr17:75,493,103, G>A. VCF-style: chr17-75493103-G-A. GRCh37 (hg19) VCF-style: chr17-73489184-G-A.
Other names: c.2099G>A, p.Ser700Asn (NM_001438842.1); c.2087G>A, p.Ser696Asn (NM_001438844.1); c.2051G>A, p.Ser684Asn (NM_001438848.1); c.2086+1G>A (NM_001438841.1, NM_001438847.1); c.2098+1G>A (NM_001321149.2, NM_001438845.1); c.2038+1G>A (NM_001351202.2); c.2128+1G>A (NM_001438843.1); c.2116+1G>A (NM_001321148.2, NM_001351203.2); and 1 more; short protein forms S696N, S684N, S700N.
Identifiers: ClinVar variation 4993399 (VCV004993399.1).

ClinVar aggregate classification (germline): Uncertain significance (1 of 4 stars; one submission).

Conditions:
TMEM94-related disorder. Also called: TMEM94-related condition.

gnomAD v4.1: 1 of 1,612,610 alleles (0.000062%); no homozygotes.

Submission:

PreventionGenetics, part of Exact Sciences
Classification: Uncertain significance for TMEM94-related condition. Last evaluated: 2025-09-30. Review status: criteria provided, single submitter. Criteria: ACMG Guidelines, 2015. Collection method: clinical testing. Allele origin: germline.
Comment: The TMEM94 c.2086+1G>A variant is predicted to disrupt the GT donor site and interfere with normal splicing. Although we cannot predict the impact on the protein sequence, exon skipping would result in an in-frame deletion. To our knowledge, this variant has not been reported in the literature. This variant is reported in 0.010% of alleles in individuals of Ashkenazi Jewish descent in gnomAD. Although we suspect that this variant may be pathogenic, at this time, the clinical significance of this variant is uncertain due to the absence of conclusive functional and genetic evidence.